The following is an entry in ClinVar:

ClinVar aggregate classification (germline): Uncertain significance (1 of 4 stars; one submission).

Conditions:
Episodic ataxia type 1 (EA1). Also called: MYOKYMIA WITH PERIODIC ATAXIA; PAROXYSMAL ATAXIA WITH NEUROMYOTONIA, HEREDITARY; ATAXIA, EPISODIC, WITH MYOKYMIA; Episodic ataxia/myokymia syndrome. Identifiers: Orphanet 37612, Orphanet 972, MedGen C1719788, MONDO:0008047, OMIM 160120.

Submission:

Labcorp Genetics (formerly Invitae), Labcorp
Classification: Uncertain significance for Episodic ataxia type 1. Last evaluated: 2024-02-02. Review status: criteria provided, single submitter. Criteria: Invitae Variant Classification Sherloc (09022015). Collection method: clinical testing. Allele origin: germline.
Comment: This sequence change replaces tryptophan, which is neutral and slightly polar, with arginine, which is basic and polar, at codon 365 of the KCNA1 protein (p.Trp365Arg). This variant is not present in population databases (gnomAD no frequency). This variant has not been reported in the literature in individuals affected with KCNA1-related conditions. ClinVar contains an entry for this variant (Variation ID: 1060322). Advanced modeling of protein sequence and biophysical properties (such as structural, functional, and spatial information, amino acid conservation, physicochemical variation, residue mobility, and thermodynamic stability) performed at Invitae indicates that this missense variant is expected to disrupt KCNA1 protein function with a positive predictive value of 80%. In summary, the available evidence is currently insufficient to determine the role of this variant in disease. Therefore, it has been classified as a Variant of Uncertain Significance.

NM_000217.3(KCNA1):c.1093T>C (p.Trp365Arg)

Gene: KCNA1 (potassium voltage-gated channel subfamily A member 1; plus strand). Cytogenetic location: 12p13.32.
Variant type: single nucleotide variant.
Coding change: c.1093T>C on transcript NM_000217.3 (MANE Select); coding-DNA position 1093, T replaced by C.
Protein change: p.Trp365Arg; replaces tryptophan 365 with arginine.
Molecular consequence: missense variant.
Genome position (GRCh38, 1-based): chr12:4,912,471, T>C. VCF-style: chr12-4912471-T-C. GRCh37 (hg19) VCF-style: chr12-5021637-T-C.
Other names: short protein forms W365R.
Identifiers: ClinVar variation 1060322 (VCV001060322.9), dbSNP rs2137673868, ClinGen allele CA383456026.
Genomic context (GRCh38, chr12:4,912,471, plus strand): 5'-TACTTTGCCGAGGCGGAAGAAGCTGAGTCGCACTTCTCCAGTATCCCCGATGCTTTCTGG[T>C]GGGCGGTGGTGTCCATGACCACTGTAGGATACGGTGACATGTACCCTGTGACAATTGGAG-3'
Protein context (NP_000208.2, residues 355-375): HFSSIPDAFW[Trp365Arg]AVVSMTTVGY